The following is an entry in ClinVar:

NM_004525.3(LRP2):c.7031A>G (p.Asn2344Ser)

Gene: LRP2 (LDL receptor related protein 2; minus strand). Cytogenetic location: 2q31.1.
Variant type: single nucleotide variant.
Coding change: c.7031A>G on transcript NM_004525.3 (MANE Select); coding-DNA position 7031, A replaced by G.
Protein change: p.Asn2344Ser; replaces asparagine 2344 with serine.
Molecular consequence: missense variant.
Genome position (GRCh38, 1-based): chr2:169,206,689, T>C on the plus strand (A>G on the coding strand, the complement: LRP2 is on the minus strand). VCF-style: chr2-169206689-T-C. GRCh37 (hg19) VCF-style: chr2-170063199-T-C.
Other names: c.7031A>G (NM_004525.2); short protein forms N2344S.
Identifiers: ClinVar variation 2098240 (VCV002098240.4), dbSNP rs2545809216, ClinGen allele CA349171711.

ClinVar aggregate classification (germline): Uncertain significance. Review status: criteria provided, multiple submitters, no conflicts (2 of 4 stars). 2 submissions from 2 submitters: Uncertain significance (2). Last evaluated 2025-11-24.

Conditions:
Inborn genetic diseases. Identifiers: MedGen C0950123, MeSH D030342.

Allele frequency attached by ClinVar (database versions not stated): gnomAD exomes below 0.00001.
gnomAD v4.1: 2 of 1,613,932 alleles (0.00012%); highest among the groups gnomAD compares: South Asian, 0.0011%; no homozygotes.

Submissions (2):

Ambry Genetics
Classification: Uncertain significance for Inborn genetic diseases. Last evaluated: 2025-11-24. Review status: criteria provided, single submitter. Criteria: Ambry Variant Classification Scheme 2023. Collection method: clinical testing. Allele origin: germline.

Labcorp Genetics (formerly Invitae), Labcorp
Classification: Uncertain significance. Last evaluated: 2025-06-30. Review status: criteria provided, single submitter. Criteria: Invitae Variant Classification Sherloc (09022015). Collection method: clinical testing. Allele origin: germline.
Comment: This sequence change replaces asparagine, which is neutral and polar, with serine, which is neutral and polar, at codon 2344 of the LRP2 protein (p.Asn2344Ser). This variant is not present in population databases (gnomAD no frequency). This variant has not been reported in the literature in individuals affected with LRP2-related conditions. ClinVar contains an entry for this variant (Variation ID: 2098240). Invitae Evidence Modeling of protein sequence and biophysical properties (such as structural, functional, and spatial information, amino acid conservation, physicochemical variation, residue mobility, and thermodynamic stability) indicates that this missense variant is expected to disrupt LRP2 protein function with a positive predictive value of 95%. In summary, the available evidence is currently insufficient to determine the role of this variant in disease. Therefore, it has been classified as a Variant of Uncertain Significance.